The following is an entry in ClinVar:

ClinVar aggregate classification (germline): Pathogenic (1 of 4 stars; one submission).

Conditions:
Peroxisome biogenesis disorder. Identifiers: Orphanet 79189, MedGen C1832200, MONDO:0019234. Disease mechanism: loss of function.

Submission:

Labcorp Genetics (formerly Invitae), Labcorp
Classification: Pathogenic for Peroxisome biogenesis disorder. Last evaluated: 2025-07-28. Review status: criteria provided, single submitter. Criteria: Invitae Variant Classification Sherloc (09022015). Collection method: clinical testing. Allele origin: germline.
Comment: This sequence change creates a premature translational stop signal (p.His18Profs*37) in the PEX16 gene. It is expected to result in an absent or disrupted protein product. Loss-of-function variants in PEX16 are known to be pathogenic (PMID: 9837814, 11890679, 20647552, 20681997). This variant is not present in population databases (gnomAD no frequency). This variant has not been reported in the literature in individuals affected with PEX16-related conditions. Algorithms developed to predict the effect of sequence changes on RNA splicing suggest that this variant may disrupt the consensus splice site. For these reasons, this variant has been classified as Pathogenic.

Literature cited by the submitters: PubMed 9837814; PubMed 11890679; PubMed 20647552; PubMed 20681997.

NM_004813.4(PEX16):c.51_52del (p.His18fs)

Gene: PEX16 (peroxisomal biogenesis factor 16; minus strand). Cytogenetic location: 11p11.2.
Variant type: Deletion.
Coding change: c.51_52del on transcript NM_004813.4 (MANE Select); coding-DNA positions 51 to 52, 2 bases deleted (TC; older notation c.51_52delTC).
Protein change: p.His18fs; shifts the reading frame from histidine 18.
Molecular consequence: frameshift variant.
Genome position (GRCh38, 1-based): chr11:45,917,760-45,917,761, GA deleted on the plus strand (TC on the coding strand, the reverse complement: PEX16 is on the minus strand). VCF-style (leftmost placement, unchanged base first): chr11-45917759-TGA-T. GRCh37 (hg19) VCF-style: chr11-45939310-TGA-T.
Other names: c.51_52del, p.His18fs (NM_057174.3); short protein forms H18fs.
Identifiers: ClinVar variation 4724128 (VCV004724128.1).